The following is an entry in ClinVar:

NM_004984.4(KIF5A):c.1156G>A (p.Glu386Lys)

Gene: KIF5A (kinesin family member 5A; plus strand). Cytogenetic location: 12q13.3.
Variant type: single nucleotide variant.
Coding change: c.1156G>A on transcript NM_004984.4 (MANE Select); coding-DNA position 1156, G replaced by A.
Protein change: p.Glu386Lys; replaces glutamic acid 386 with lysine.
Molecular consequence: missense variant.
Genome position (GRCh38, 1-based): chr12:57,570,025, G>A. VCF-style: chr12-57570025-G-A. GRCh37 (hg19) VCF-style: chr12-57963808-G-A.
Other names: c.889G>A, p.Glu297Lys (NM_001354705.2); short protein forms E297K, E386K.
Identifiers: ClinVar variation 2572781 (VCV002572781.4), dbSNP rs1052752751, ClinGen allele CA385503727.

ClinVar aggregate classification (germline): Uncertain significance. Review status: criteria provided, multiple submitters, no conflicts (2 of 4 stars). 2 submissions from 2 submitters: Uncertain significance (2). Last evaluated 2025-12-14.

Conditions:
Spastic paraplegia. Identifiers: MedGen C0037772, HP:0001258.

Submissions (2):

GeneDx
Classification: Uncertain significance. Last evaluated: 2025-12-14. Review status: criteria provided, single submitter. Criteria: GeneDx Variant Classification Process June 2021. Collection method: clinical testing. Allele origin: germline. Affected: yes.
Comment: Not observed at significant frequency in large population cohorts (gnomAD); In silico analysis suggests that this missense variant does not alter protein structure/function; Has not been previously published as pathogenic or benign to our knowledge

Labcorp Genetics (formerly Invitae), Labcorp
Classification: Uncertain significance for Spastic paraplegia. Last evaluated: 2024-09-19. Review status: criteria provided, single submitter. Criteria: Invitae Variant Classification Sherloc (09022015). Collection method: clinical testing. Allele origin: germline.
Comment: This sequence change replaces glutamic acid, which is acidic and polar, with lysine, which is basic and polar, at codon 386 of the KIF5A protein (p.Glu386Lys). This variant is not present in population databases (gnomAD no frequency). This variant has not been reported in the literature in individuals affected with KIF5A-related conditions. ClinVar contains an entry for this variant (Variation ID: 2572781). Invitae Evidence Modeling of protein sequence and biophysical properties (such as structural, functional, and spatial information, amino acid conservation, physicochemical variation, residue mobility, and thermodynamic stability) indicates that this missense variant is not expected to disrupt KIF5A protein function with a negative predictive value of 95%. In summary, the available evidence is currently insufficient to determine the role of this variant in disease. Therefore, it has been classified as a Variant of Uncertain Significance.